The following is an entry in ClinVar:

ClinVar aggregate classification (germline): Uncertain significance (1 of 4 stars; one submission).

Conditions:
Glycogen storage disease type III (GSD3). Also called: Cori disease; FORBES DISEASE. Identifiers: Orphanet 366, MedGen C0017922, MONDO:0009291, OMIM 232400.

Allele frequency attached by ClinVar (database versions not stated): gnomAD exomes below 0.00001; TOPMed below 0.00001; gnomAD 0.00001.
gnomAD v4.1: 2 of 1,613,502 alleles (0.00012%); highest among the groups gnomAD compares: African/African-American, 0.0013%; no homozygotes.

Submission:

Labcorp Genetics (formerly Invitae), Labcorp
Classification: Uncertain significance for Glycogen storage disease type III. Last evaluated: 2026-01-12. Review status: criteria provided, single submitter. Criteria: Invitae Variant Classification Sherloc (09022015). Collection method: clinical testing. Allele origin: germline.
Comment: This sequence change replaces leucine, which is neutral and non-polar, with proline, which is neutral and non-polar, at codon 1040 of the AGL protein (p.Leu1040Pro). This variant is not present in population databases (gnomAD no frequency). This variant has not been reported in the literature in individuals affected with AGL-related conditions. ClinVar contains an entry for this variant (Variation ID: 1010846). Invitae Evidence Modeling of protein sequence and biophysical properties (such as structural, functional, and spatial information, amino acid conservation, physicochemical variation, residue mobility, and thermodynamic stability) indicates that this missense variant is expected to disrupt AGL protein function with a positive predictive value of 80%. In summary, the available evidence is currently insufficient to determine the role of this variant in disease. Therefore, it has been classified as a Variant of Uncertain Significance.

NM_000642.3(AGL):c.3119T>C (p.Leu1040Pro)

Gene: AGL (amylo-alpha-1,6-glucosidase and 4-alpha-glucanotransferase; plus strand). Cytogenetic location: 1p21.2.
Variant type: single nucleotide variant.
Coding change: c.3119T>C on transcript NM_000642.3 (MANE Select); coding-DNA position 3119, T replaced by C.
Protein change: p.Leu1040Pro; replaces leucine 1040 with proline.
Molecular consequence: missense variant.
Genome position (GRCh38, 1-based): chr1:99,892,467, T>C. VCF-style: chr1-99892467-T-C. GRCh37 (hg19) VCF-style: chr1-100358023-T-C.
Other names: c.3119T>C, p.Leu1040Pro (NM_000028.3, NM_000643.3, NM_000644.3 and 1 more transcripts); c.3071T>C, p.Leu1024Pro (NM_000646.3); c.3098T>C, p.Leu1033Pro (NM_001425326.1); c.2918T>C, p.Leu973Pro (NM_001425327.1); c.2915T>C, p.Leu972Pro (NM_001425328.1); c.2780T>C, p.Leu927Pro (NM_001425329.1); c.2741T>C, p.Leu914Pro (NM_001425332.1); short protein forms L1024P, L1040P, L1033P, L914P, L927P, L972P, L973P.
Identifiers: ClinVar variation 1010846 (VCV001010846.9), dbSNP rs900064421, ClinGen allele CA27527733.